The following is an entry in ClinVar:

ClinVar aggregate classification (germline): Likely benign (1 of 4 stars; one submission).

Conditions:
Intellectual developmental disorder with autistic features and language delay, with or without seizures. Identifiers: MedGen C5394447, MONDO:0030051, OMIM 618906.

Allele frequency attached by ClinVar (database versions not stated): ExAC 0.00002; gnomAD exomes below 0.00001.
gnomAD v4.1: 4 of 1,598,078 alleles (0.00025%); highest among the groups gnomAD compares: Non-Finnish European, 0.00034%; no homozygotes.

Submission:

Victorian Clinical Genetics Services, Murdoch Childrens Research Institute
Classification: Likely benign for Intellectual developmental disorder with autistic features and language delay, with or without seizures. Last evaluated: 2024-12-30. Review status: criteria provided, single submitter. Criteria: ACMG Guidelines, 2015. Collection method: clinical testing. Allele origin: germline. Affected: yes.
Comment: This variant is classified as Likely benign. Evidence in support of pathogenic classification: Variant is present in gnomAD (v2) <0.001 for a dominant condition (1 heterozygote, 0 homozygotes). Additional information: Variant is predicted to result in a missense amino acid change from serine to proline; This variant is heterozygous; This gene is associated with autosomal dominant disease; An alternative amino acid change at the same position has been observed in gnomAD (v2, v3) (1 heterozygote, 0 homozygotes); This variant has no previous evidence of pathogenicity; No published segregation evidence has been identified for this variant; No published functional evidence has been identified for this variant; No comparable missense variants have previous evidence for pathogenicity; Variant is located in the annotated ankyrin repeat domain (NCBI); Missense variant with conflicting in silico predictions and uninformative conservation; Loss of function is a known mechanism of disease in this gene and is associated with intellectual developmental disorder with autistic features and language delay, with or without seizures (MIM#618906).

NM_001394998.1(TANC2):c.2767T>C (p.Ser923Pro)

Genes: TANC2 (tetratricopeptide repeat, ankyrin repeat and coiled-coil containing 2; plus strand), LOC105371856 (uncharacterized LOC105371856; minus strand). Cytogenetic location: 17q23.3.
Variant type: single nucleotide variant.
Coding change: c.2767T>C on transcript NM_001394998.1 (MANE Select); coding-DNA position 2767, T replaced by C.
Protein change: p.Ser923Pro; replaces serine 923 with proline.
Molecular consequence: missense variant.
Genome position (GRCh38, 1-based): chr17:63,388,710, T>C. VCF-style: chr17-63388710-T-C. GRCh37 (hg19) VCF-style: chr17-61466071-T-C.
Other names: c.2545T>C, p.Ser849Pro (NM_025185.4); short protein forms S849P, S923P.
Identifiers: ClinVar variation 1699450 (VCV001699450.5), dbSNP rs757337752, ClinGen allele CA8697839.